The following is an entry in ClinVar:

ClinVar aggregate classification (germline): Likely pathogenic (1 of 4 stars; one submission).

Submission:

CeGaT Center for Human Genetics Tuebingen
Classification: Likely pathogenic. Last evaluated: 2026-03-01. Review status: criteria provided, single submitter. Criteria: CeGaT Center For Human Genetics Tuebingen Variant Classification Criteria Version 2. Collection method: clinical testing. Allele origin: germline. Affected: yes. Observed: 1 variant allele.
Comment: ZEB2: PM1, PM2, PP2, PS2:Supporting

NM_014795.4(ZEB2):c.3100A>G (p.Lys1034Glu)

Gene: ZEB2 (zinc finger E-box binding homeobox 2; minus strand). Cytogenetic location: 2q22.3.
Variant type: single nucleotide variant.
Coding change: c.3100A>G on transcript NM_014795.4 (MANE Select); coding-DNA position 3100, A replaced by G.
Protein change: p.Lys1034Glu; replaces lysine 1034 with glutamic acid.
Molecular consequence: missense variant.
Genome position (GRCh38, 1-based): chr2:144,389,996, T>C on the plus strand (A>G on the coding strand, the complement: ZEB2 is on the minus strand). VCF-style: chr2-144389996-T-C. GRCh37 (hg19) VCF-style: chr2-145147563-T-C.
Other names: c.3028A>G, p.Lys1010Glu (NM_001171653.2); short protein forms K1010E, K1034E.
Identifiers: ClinVar variation 4822933 (VCV004822933.4).